The following is an entry in ClinVar:

NM_020921.4(NIN):c.2657C>A (p.Thr886Asn)

Gene: NIN (ninein; minus strand). Cytogenetic location: 14q22.1.
Variant type: single nucleotide variant.
Coding change: c.2657C>A on transcript NM_020921.4 (MANE Select); coding-DNA position 2657, C replaced by A.
Protein change: p.Thr886Asn; replaces threonine 886 with asparagine.
Molecular consequence: missense variant. On other transcripts: intron variant (1).
Genome position (GRCh38, 1-based): chr14:50,758,373, G>T on the plus strand (C>A on the coding strand, the complement: NIN is on the minus strand). VCF-style: chr14-50758373-G-T. GRCh37 (hg19) VCF-style: chr14-51225091-G-T.
Other names: c.2657C>A, p.Thr886Asn (NM_182944.3, NM_182946.2); c.2399+1484C>A (NM_016350.5); short protein forms T886N.
Identifiers: ClinVar variation 2561762 (VCV002561762.5), dbSNP rs768180933, ClinGen allele CA7181892.

ClinVar aggregate classification (germline): Uncertain significance. Review status: criteria provided, multiple submitters, no conflicts (2 of 4 stars). 2 submissions from 2 submitters: Uncertain significance (2). Last evaluated 2023-05-31.

Allele frequency attached by ClinVar (database versions not stated): ExAC 0.00002.
gnomAD v4.1: 105 of 1,614,130 alleles (0.0065%); highest among the groups gnomAD compares: Non-Finnish European, 0.0086%; no homozygotes.

Submissions (2):

Ambry Genetics
Classification: Uncertain significance. Last evaluated: 2023-05-31. Review status: criteria provided, single submitter. Criteria: Ambry Variant Classification Scheme 2023. Collection method: clinical testing. Allele origin: germline.

Labcorp Genetics (formerly Invitae), Labcorp
Classification: Uncertain significance. Last evaluated: 2022-12-28. Review status: criteria provided, single submitter. Criteria: Invitae Variant Classification Sherloc (09022015). Collection method: clinical testing. Allele origin: germline.
Comment: In summary, the available evidence is currently insufficient to determine the role of this variant in disease. Therefore, it has been classified as a Variant of Uncertain Significance. Algorithms developed to predict the effect of missense changes on protein structure and function output the following: SIFT: "Deleterious"; PolyPhen-2: "Benign"; Align-GVGD: "Class C15". The asparagine amino acid residue is found in multiple mammalian species, which suggests that this missense change does not adversely affect protein function. This variant has not been reported in the literature in individuals affected with NIN-related conditions. This variant is present in population databases (rs768180933, gnomAD 0.006%). This sequence change replaces threonine, which is neutral and polar, with asparagine, which is neutral and polar, at codon 886 of the NIN protein (p.Thr886Asn).